The following is an entry in ClinVar:

ClinVar aggregate classification (germline): Pathogenic (1 of 4 stars; one submission).

Conditions:
Hereditary cancer-predisposing syndrome. Also called: Neoplastic Syndromes, Hereditary; Tumor predisposition; Hereditary Cancer Syndrome; Hereditary neoplastic syndrome. Identifiers: Orphanet 140162, MedGen C0027672, MeSH D009386, MONDO:0015356.

Submission:

Ambry Genetics
Classification: Pathogenic for Hereditary cancer-predisposing syndrome. Last evaluated: 2016-11-30. Review status: criteria provided, single submitter. Criteria: Ambry Variant Classification Scheme 2023. Collection method: clinical testing. Allele origin: germline.
Comment: The c.2801delA pathogenic mutation, located in coding exon 17 of the RAD50 gene, results from a deletion of one nucleotide at nucleotide position 2801, causing a translational frameshift with a predicted alternate stop codon. This alteration is expected to result in loss of function by premature protein truncation or nonsense-mediated mRNA decay. As such, this alteration is interpreted as a disease-causing mutation.

NM_005732.4(RAD50):c.2801del (p.Asn934fs)

Gene: RAD50 (RAD50 double strand break repair protein; plus strand). Cytogenetic location: 5q31.1.
Variant type: Deletion.
Coding change: c.2801del on transcript NM_005732.4 (MANE Select); coding-DNA position 2801, one base deleted (A; older notation c.2801delA).
Protein change: p.Asn934fs; shifts the reading frame from asparagine 934.
Molecular consequence: frameshift variant.
Genome position (GRCh38, 1-based): chr5:132,608,697, A deleted; the last of 8 consecutive A bases (chr5:132,608,690-132,608,697); deleting any one gives the same sequence. VCF-style (leftmost placement, unchanged base first): chr5-132608689-CA-C. GRCh37 (hg19) VCF-style: chr5-131944381-CA-C.
Other names: short protein forms N934fs.
Identifiers: ClinVar variation 484688 (VCV000484688.5), dbSNP rs748536322, ClinGen allele CA3405456.